The following is an entry in ClinVar:

NM_000081.4(LYST):c.9628-3del

Gene: LYST (lysosomal trafficking regulator; minus strand). Cytogenetic location: 1q42.3.
Variant type: Deletion.
Coding change: c.9628-3del on transcript NM_000081.4 (MANE Select); 3 bases into the intron before coding-DNA position 9628, one base deleted (C; older notation c.9628-3delC).
Molecular consequence: intron variant.
Genome position (GRCh38, 1-based): chr1:235,715,360, G deleted on the plus strand (C on the coding strand, the reverse complement: LYST is on the minus strand). VCF-style (leftmost placement, unchanged base first): chr1-235715359-TG-T. GRCh37 (hg19) VCF-style: chr1-235878659-TG-T.
Other names: c.9628-3del (NM_001301365.1).
Identifiers: ClinVar variation 854926 (VCV000854926.4), dbSNP rs2527407228, ClinGen allele CA916080242.

ClinVar aggregate classification (germline): Uncertain significance (1 of 4 stars; one submission).

Conditions:
Chédiak-Higashi syndrome (CHS). Also called: Chediak-Higashi Syndrome. Identifiers: Orphanet 167, MedGen C0007965, MONDO:0008963, OMIM 214500.

Allele frequency attached by ClinVar (database versions not stated): gnomAD exomes below 0.00001.

Submission:

Labcorp Genetics (formerly Invitae), Labcorp
Classification: Uncertain significance for Chédiak-Higashi syndrome. Last evaluated: 2021-08-26. Review status: criteria provided, single submitter. Criteria: Invitae Variant Classification Sherloc (09022015). Collection method: clinical testing. Allele origin: germline.
Comment: This sequence change falls in intron 41 of the LYST gene. It does not directly change the encoded amino acid sequence of the LYST protein. It affects a nucleotide within the consensus splice site of the intron. This variant is not present in population databases (ExAC no frequency). This variant has not been reported in the literature in individuals affected with LYST-related conditions. Variants that disrupt the consensus splice site are a relatively common cause of aberrant splicing (PMID: 17576681, 9536098). Algorithms developed to predict the effect of sequence changes on RNA splicing suggest that this variant may disrupt the consensus splice site. In summary, the available evidence is currently insufficient to determine the role of this variant in disease. Therefore, it has been classified as a Variant of Uncertain Significance.

Literature cited by the submitters: PubMed 17576681; PubMed 9536098.